The following is an entry in ClinVar:

ClinVar aggregate classification (germline): Pathogenic. Review status: criteria provided, multiple submitters, no conflicts (2 of 4 stars). 2 submissions from 2 submitters: Pathogenic (2). Last evaluated 2026-08-04.

Conditions:
Hereditary breast ovarian cancer syndrome. Also called: Hereditary breast and/or ovarian cancer syndrome; BRCA1- and BRCA2-Associated Hereditary Breast and Ovarian Cancer; Hereditary breast and ovarian cancer syndrome; Breast and ovarian cancer; Hereditary breast and ovarian cancer; Hereditary breast and ovarian cancer syndrome (HBOC). Identifiers: Orphanet 145, MedGen C0677776, MeSH D061325, MONDO:0003582. Disease mechanism: loss of function.
Hereditary cancer-predisposing syndrome. Also called: Neoplastic Syndromes, Hereditary; Hereditary neoplastic syndrome; Hereditary Cancer Syndrome; Tumor predisposition. Identifiers: Orphanet 140162, MedGen C0027672, MeSH D009386, MONDO:0015356.

Submissions (2):

Ambry Genetics
Classification: Pathogenic for Hereditary cancer-predisposing syndrome. Last evaluated: 2026-08-04. Review status: criteria provided, single submitter. Criteria: Ambry Variant Classification Scheme 2023. Collection method: clinical testing. Allele origin: germline.
Comment: The p.R468* pathogenic mutation (also known as c.1402A>T), located in coding exon 9 of the BRCA2 gene, results from an A to T substitution at nucleotide position 1402. This changes the amino acid from an arginine to a stop codon within coding exon 9. This variant is considered to be rare based on population cohorts in the Genome Aggregation Database (gnomAD). This alteration is expected to result in loss of function by premature protein truncation or nonsense-mediated mRNA decay. As such, this alteration is interpreted as a disease-causing mutation.

Labcorp Genetics (formerly Invitae), Labcorp
Classification: Pathogenic for Hereditary breast ovarian cancer syndrome. Last evaluated: 2018-09-13. Review status: criteria provided, single submitter. Criteria: Invitae Variant Classification Sherloc (09022015). Collection method: clinical testing. Allele origin: germline.
Comment: This sequence change creates a premature translational stop signal (p.Arg468*) in the BRCA2 gene. It is expected to result in an absent or disrupted protein product. This variant is not present in population databases (ExAC no frequency). This variant has not been reported in the literature in individuals with BRCA2-related disease. ClinVar contains an entry for this variant (Variation ID: 462234). Loss-of-function variants in BRCA2 are known to be pathogenic (PMID: 20104584). For these reasons, this variant has been classified as Pathogenic.

Literature cited by the submitters: PubMed 20104584 (cited by Labcorp Genetics (formerly Invitae), Labcorp).

NM_000059.4(BRCA2):c.1402A>T (p.Arg468Ter)

Gene: BRCA2 (BRCA2 DNA repair associated; plus strand). Cytogenetic location: 13q13.1.
Variant type: single nucleotide variant.
Coding change: c.1402A>T on transcript NM_000059.4 (MANE Select); coding-DNA position 1402, A replaced by T.
Protein change: p.Arg468Ter; replaces arginine 468 with a stop codon.
Molecular consequence: nonsense.
Genome position (GRCh38, 1-based): chr13:32,332,880, A>T. VCF-style: chr13-32332880-A-T. GRCh37 (hg19) VCF-style: chr13-32907017-A-T.
Other names: short protein forms R468*.
Identifiers: ClinVar variation 462234 (VCV000462234.9), dbSNP rs1555281894, ClinGen allele CA387764159.